The following is an entry in ClinVar:

NM_012471.3(TRPC5):c.2343C>T (p.Asp781=)

Gene: TRPC5 (transient receptor potential cation channel subfamily C member 5; minus strand). Cytogenetic location: Xq23.
Variant type: single nucleotide variant.
Coding change: c.2343C>T on transcript NM_012471.3 (MANE Select); coding-DNA position 2343, C replaced by T.
Protein change: p.Asp781=; no amino-acid change (aspartic acid 781 retained).
Molecular consequence: synonymous variant.
Genome position (GRCh38, 1-based): chrX:111,776,892, G>A on the plus strand (C>T on the coding strand, the complement: TRPC5 is on the minus strand). VCF-style: chrX-111776892-G-A. GRCh37 (hg19) VCF-style: chrX-111020120-G-A.
Identifiers: ClinVar variation 3355695 (VCV003355695.1).
Genomic context (GRCh38, chrX:111,776,892, plus strand): 5'-TAAATTAAAAGAGACACTCTTGGATTTGGCCCGAGCCCCACCACTGCCATCATTATTATC[G>A]TCTCTCTGAGACAGTTCAGTGCTGCTAGTGGAAAAGCTCCTTGGATGTTTTCTATTTCCC-3'
Protein context (NP_036603.1, residues 771-791): STSSTELSQR[Asp781=]DNNDGSGGAR

ClinVar aggregate classification (germline): Likely benign (0 of 4 stars; one submission).

Conditions:
TRPC5-related disorder. Also called: TRPC5-related condition.

gnomAD v4.1: 32 of 1,209,414 alleles (0.0026%); highest among the groups gnomAD compares: Middle Eastern, 0.023%; no homozygotes.

Submission:

PreventionGenetics, part of Exact Sciences
Classification: Likely benign for TRPC5-related condition. Last evaluated: 2023-09-05. Review status: no assertion criteria provided. Collection method: clinical testing. Allele origin: germline.
Comment: This variant is classified as likely benign based on ACMG/AMP sequence variant interpretation guidelines (Richards et al. 2015 PMID: 25741868, with internal and published modifications).